The following is an entry in ClinVar:

ClinVar aggregate classification (germline): Uncertain significance. Review status: criteria provided, multiple submitters, no conflicts (2 of 4 stars). 2 submissions from 2 submitters: Uncertain significance (2). Last evaluated 2024-09-03.

Conditions:
Inborn genetic diseases. Identifiers: MedGen C0950123, MeSH D030342.

Allele frequency attached by ClinVar (database versions not stated): ExAC 0.00001; TOPMed 0.00002; gnomAD 0.00003.
gnomAD v4.1: 13 of 1,603,316 alleles (0.00081%); highest among the groups gnomAD compares: South Asian, 0.0011%; no homozygotes.

Submissions (2):

Ambry Genetics
Classification: Uncertain significance for Inborn genetic diseases. Last evaluated: 2024-09-03. Review status: criteria provided, single submitter. Criteria: Ambry Variant Classification Scheme 2023. Collection method: clinical testing. Allele origin: germline.

Labcorp Genetics (formerly Invitae), Labcorp
Classification: Uncertain significance. Last evaluated: 2023-10-11. Review status: criteria provided, single submitter. Criteria: Invitae Variant Classification Sherloc (09022015). Collection method: clinical testing. Allele origin: germline.
Comment: This sequence change replaces isoleucine, which is neutral and non-polar, with valine, which is neutral and non-polar, at codon 535 of the PACS2 protein (p.Ile535Val). The frequency data for this variant in the population databases is considered unreliable, as metrics indicate poor data quality at this position in the gnomAD database. This variant has not been reported in the literature in individuals affected with PACS2-related conditions. ClinVar contains an entry for this variant (Variation ID: 1987425). Advanced modeling of protein sequence and biophysical properties (such as structural, functional, and spatial information, amino acid conservation, physicochemical variation, residue mobility, and thermodynamic stability) performed at Invitae indicates that this missense variant is not expected to disrupt PACS2 protein function. In summary, the available evidence is currently insufficient to determine the role of this variant in disease. Therefore, it has been classified as a Variant of Uncertain Significance.

NM_001100913.3(PACS2):c.1603A>G (p.Ile535Val)

Gene: PACS2 (phosphofurin acidic cluster sorting protein 2; plus strand). Cytogenetic location: 14q32.33.
Variant type: single nucleotide variant.
Coding change: c.1603A>G on transcript NM_001100913.3 (MANE Select); coding-DNA position 1603, A replaced by G.
Protein change: p.Ile535Val; replaces isoleucine 535 with valine.
Molecular consequence: missense variant.
Genome position (GRCh38, 1-based): chr14:105,382,891, A>G. VCF-style: chr14-105382891-A-G. GRCh37 (hg19) VCF-style: chr14-105849228-A-G.
Other names: c.1366A>G, p.Ile456Val (NM_001243127.3); c.1591A>G, p.Ile531Val (NM_015197.4); c.1603A>G (NM_001100913.2); short protein forms I456V, I531V, I535V.
Identifiers: ClinVar variation 1987425 (VCV001987425.5), dbSNP rs782187620, ClinGen allele CA7388878.